The following is an entry in ClinVar:

ClinVar aggregate classification (germline): Benign/Likely benign. Review status: criteria provided, multiple submitters, no conflicts (2 of 4 stars). 6 submissions from 6 submitters: Benign (2); Likely benign (2). 2 of the submissions do not count toward it. Last evaluated 2026-02-02.

Conditions:
Neurodevelopmental disorder. Identifiers: MedGen C1535926, MeSH D065886, MONDO:0700092.
Inborn genetic diseases. Identifiers: MedGen C0950123, MeSH D030342.

Allele frequency attached by ClinVar (database versions not stated): gnomAD exomes 0.00023 and 0.00029; gnomAD 0.00024 and 0.00023; TOPMed 0.00025; ExAC 0.00023; ESP Exome Variant Server 0.00023.
gnomAD v4.1: 494 of 1,606,812 alleles (0.031%); highest among the groups gnomAD compares: Middle Eastern, 0.63%; no homozygotes.

Submissions (6):

Labcorp Genetics (formerly Invitae), Labcorp
Classification: Benign. Last evaluated: 2026-02-02. Review status: criteria provided, single submitter. Criteria: Invitae Variant Classification Sherloc (09022015). Collection method: clinical testing. Allele origin: germline.

Blueprint Genetics
Classification: Likely benign. Last evaluated: 2024-11-14. Review status: criteria provided, single submitter. Criteria: ACMG Guidelines, 2015. Collection method: clinical testing. Allele origin: germline.

Ambry Genetics
Classification: Likely benign for Inborn genetic diseases. Last evaluated: 2021-06-30. Review status: criteria provided, single submitter. Criteria: Ambry Variant Classification Scheme 2023. Collection method: clinical testing. Allele origin: germline.

Breakthrough Genomics
Classification: Benign. Review status: criteria provided, single submitter. Criteria: ACMG Guidelines, 2015. Collection method: not provided. Allele origin: germline. Inheritance: Autosomal dominant inheritance. Affected: yes.

ITMI
No classification provided. Condition: AllHighlyPenetrant. Last evaluated: 2013-09-19. Review status: no classification provided. Collection method: reference population. Allele origin: germline. Not counted in ClinVar's aggregate classification.
Comment: Please see associated publication for description of ethnicities

University of Washington Center for Mendelian Genomics, University of Washington
Classification: Uncertain significance for Neurodevelopmental Disorder. Review status: no assertion criteria provided. Collection method: research. Allele origin: maternal. Affected: yes. Not counted in ClinVar's aggregate classification.

Literature cited by the submitters: PubMed 24728327 (cited by ITMI); PubMed 30057029 (cited by University of Washington Center for Mendelian Genomics, University of Washington).

NM_001190274.2(FBXO11):c.2491A>G (p.Ser831Gly)

Genes: FBXO11 (F-box protein 11; minus strand), MSH6 (mutS homolog 6; plus strand). Cytogenetic location: 2p16.3.
Variant type: single nucleotide variant.
Coding change: c.2491A>G on transcript NM_001190274.2 (MANE Select); coding-DNA position 2491, A replaced by G.
Protein change: p.Ser831Gly; replaces serine 831 with glycine.
Molecular consequence: missense variant.
Genome position (GRCh38, 1-based): chr2:47,809,222, T>C on the plus strand (A>G on the coding strand, the complement: FBXO11 is on the minus strand). VCF-style: chr2-47809222-T-C. GRCh37 (hg19) VCF-style: chr2-48036361-T-C.
Other names: c.2239A>G, p.Ser747Gly (NM_001374325.1, NM_025133.4); short protein forms S747G, S831G.
Identifiers: ClinVar variation 134376 (VCV000134376.13), dbSNP rs200771165, ClinGen allele CA068867.